The following is an entry in ClinVar:

ClinVar aggregate classification (germline): Uncertain significance (1 of 4 stars; one submission).

Submission:

Labcorp Genetics (formerly Invitae), Labcorp
Classification: Uncertain significance. Last evaluated: 2022-10-24. Review status: criteria provided, single submitter. Criteria: Invitae Variant Classification Sherloc (09022015). Collection method: clinical testing. Allele origin: germline.
Comment: This sequence change replaces isoleucine, which is neutral and non-polar, with threonine, which is neutral and polar, at codon 164 of the LHCGR protein (p.Ile164Thr). This variant is not present in population databases (gnomAD no frequency). In summary, the available evidence is currently insufficient to determine the role of this variant in disease. Therefore, it has been classified as a Variant of Uncertain Significance. Advanced modeling of protein sequence and biophysical properties (such as structural, functional, and spatial information, amino acid conservation, physicochemical variation, residue mobility, and thermodynamic stability) performed at Invitae indicates that this missense variant is expected to disrupt LHCGR protein function. This variant has not been reported in the literature in individuals affected with LHCGR-related conditions.

NM_000233.4(LHCGR):c.491T>C (p.Ile164Thr)

Genes: LHCGR (luteinizing hormone/choriogonadotropin receptor; minus strand), STON1-GTF2A1L (STON1-GTF2A1L readthrough; plus strand). Cytogenetic location: 2p16.3.
Variant type: single nucleotide variant.
Coding change: c.491T>C on transcript NM_000233.4 (MANE Select); coding-DNA position 491, T replaced by C.
Protein change: p.Ile164Thr; replaces isoleucine 164 with threonine.
Molecular consequence: missense variant. On other transcripts: intron variant (1).
Genome position (GRCh38, 1-based): chr2:48,723,501, A>G on the plus strand (T>C on the coding strand, the complement: LHCGR is on the minus strand). VCF-style: chr2-48723501-A-G. GRCh37 (hg19) VCF-style: chr2-48950640-A-G.
Other names: c.3441+51821A>G (NM_001198593.2); short protein forms I164T.
Identifiers: ClinVar variation 2036704 (VCV002036704.4), dbSNP rs911548844, ClinGen allele CA46785180.